The following is an entry in ClinVar:

NM_014915.3(ANKRD26):c.4953+3T>G

Gene: ANKRD26 (ankyrin repeat domain 26; minus strand). Cytogenetic location: 10p12.1.
Variant type: single nucleotide variant.
Coding change: c.4953+3T>G on transcript NM_014915.3 (MANE Select); 3 bases into the intron after coding-DNA position 4953, T replaced by G.
Molecular consequence: intron variant.
Genome position (GRCh38, 1-based): chr10:27,012,879, A>C on the plus strand (T>G on the coding strand, the complement: ANKRD26 is on the minus strand). VCF-style: chr10-27012879-A-C. GRCh37 (hg19) VCF-style: chr10-27301808-A-C.
Other names: p.?; c.4950+3T>G (NM_001256053.2).
Identifiers: ClinVar variation 745036 (VCV000745036.12), dbSNP rs368545607, ClinGen allele CA5447689.

ClinVar aggregate classification (germline): Conflicting classifications of pathogenicity. Review status: criteria provided, conflicting classifications (1 of 4 stars). 4 submissions from 4 submitters: Uncertain significance (1); Likely benign (3). Last evaluated 2025-11-13.

Allele frequency attached by ClinVar (database versions not stated): ExAC 0.00003; gnomAD exomes 0.00003 and 0.00006; 1000 Genomes Project 30x 0.00016; 1000 Genomes Project 0.00020; gnomAD 0.00028 and 0.00032; TOPMed 0.00029; ESP Exome Variant Server 0.00025.
gnomAD v4.1: 82 of 1,610,952 alleles (0.0051%); highest among the groups gnomAD compares: African/African-American, 0.096%; no homozygotes.

Submissions (4):

Women's Health and Genetics/Laboratory Corporation of America, LabCorp
Classification: Uncertain significance. Last evaluated: 2025-11-13. Review status: criteria provided, single submitter. Criteria: LabCorp Variant Classification Summary - May 2015. Collection method: clinical testing. Allele origin: germline.
Comment: Variant summary: ANKRD26 c.4953+3T>G alters a conserved nucleotide located close to a canonical splice site and therefore could affect mRNA splicing, leading to a significantly altered protein sequence. Consensus agreement among computation tools predict no significant impact on normal splicing. However, these predictions have yet to be confirmed by functional studies. The variant allele was found at a frequency of 6e-05 in 249368 control chromosomes. This frequency is not significantly higher than estimated for disease-causing variants in ANKRD26, allowing no conclusion about variant significance. To our knowledge, no occurrence of c.4953+3T>G in individuals affected with ANKRD26-related conditions and no experimental evidence demonstrating its impact on protein function have been reported. ClinVar contains an entry for this variant (Variation ID: 745036). Based on the evidence outlined above, the variant was classified as uncertain significance.

Labcorp Genetics (formerly Invitae), Labcorp
Classification: Likely benign. Last evaluated: 2025-05-12. Review status: criteria provided, single submitter. Criteria: Invitae Variant Classification Sherloc (09022015). Collection method: clinical testing. Allele origin: germline.

Mayo Clinic Laboratories, Mayo Clinic
Classification: Likely benign. Last evaluated: 2025-03-24. Review status: criteria provided, single submitter. Criteria: ACMG Guidelines, 2015. Collection method: clinical testing. Allele origin: germline. Observed: 1 variant allele.
Comment: BP4, BP7

Blueprint Genetics
Classification: Likely benign. Last evaluated: 2021-11-02. Review status: criteria provided, single submitter. Criteria: ACMG Guidelines, 2015. Collection method: clinical testing. Allele origin: germline.